The following is an entry in ClinVar:

NM_005027.4(PIK3R2):c.46C>T (p.Arg16Cys)

Gene: PIK3R2 (phosphoinositide-3-kinase regulatory subunit 2; plus strand). Cytogenetic location: 19p13.11.
Variant type: single nucleotide variant.
Coding change: c.46C>T on transcript NM_005027.4 (MANE Select); coding-DNA position 46, C replaced by T.
Protein change: p.Arg16Cys; replaces arginine 16 with cysteine.
Molecular consequence: missense variant. On other transcripts: non-coding transcript variant (2).
Genome position (GRCh38, 1-based): chr19:18,155,925, C>T. VCF-style: chr19-18155925-C-T. GRCh37 (hg19) VCF-style: chr19-18266735-C-T.
Other names: c.46C>T (NM_005027.2); short protein forms R16C.
Identifiers: ClinVar variation 1565321 (VCV001565321.13), dbSNP rs80233027, ClinGen allele CA9306634.

ClinVar aggregate classification (germline): Conflicting classifications of pathogenicity. Review status: criteria provided, conflicting classifications (1 of 4 stars). 3 submissions from 3 submitters: Uncertain significance (1); Benign (1); Likely benign (1). Last evaluated 2026-03-01.

Conditions:
Megalencephaly-polymicrogyria-postaxial polydactyly-hydrocephalus syndrome. Also called: MPPH Syndrome; MEG-PMG-MEGACC SYNDROME. Identifiers: Orphanet 83473, MedGen C1863924, MONDO:0019375.
Inborn genetic diseases. Identifiers: MedGen C0950123, MeSH D030342.

Allele frequency attached by ClinVar (database versions not stated): TOPMed 0.00002; 1000 Genomes Project 30x 0.00016.

Submissions (3):

CeGaT Center for Human Genetics Tuebingen
Classification: Likely benign. Last evaluated: 2026-03-01. Review status: criteria provided, single submitter. Criteria: CeGaT Center For Human Genetics Tuebingen Variant Classification Criteria Version 2. Collection method: clinical testing. Allele origin: germline. Affected: yes. Observed: 1 variant allele.
Comment: PIK3R2: BP4

Labcorp Genetics (formerly Invitae), Labcorp
Classification: Benign for Megalencephaly-polymicrogyria-postaxial polydactyly-hydrocephalus syndrome. Last evaluated: 2025-03-04. Review status: criteria provided, single submitter. Criteria: Invitae Variant Classification Sherloc (09022015). Collection method: clinical testing. Allele origin: germline.

Ambry Genetics
Classification: Uncertain significance for Inborn genetic diseases. Last evaluated: 2021-10-22. Review status: criteria provided, single submitter. Criteria: Ambry Variant Classification Scheme 2023. Collection method: clinical testing. Allele origin: germline.